The following is an entry in ClinVar:

NM_000138.5(FBN1):c.5296+5G>A

Gene: FBN1 (fibrillin 1; minus strand). Cytogenetic location: 15q21.1.
Variant type: single nucleotide variant.
Coding change: c.5296+5G>A on transcript NM_000138.5 (MANE Select); 5 bases into the intron after coding-DNA position 5296, G replaced by A.
Molecular consequence: intron variant.
Genome position (GRCh38, 1-based): chr15:48,460,241, C>T on the plus strand (G>A on the coding strand, the complement: FBN1 is on the minus strand). VCF-style: chr15-48460241-C-T. GRCh37 (hg19) VCF-style: chr15-48752438-C-T.
Identifiers: ClinVar variation 1075548 (VCV001075548.13), dbSNP rs1566902515, ClinGen allele CA2499222981.

ClinVar aggregate classification (germline): Pathogenic/Likely pathogenic. Review status: criteria provided, multiple submitters, no conflicts (2 of 4 stars). 2 submissions from 2 submitters: Pathogenic (1); Likely pathogenic (1). Last evaluated 2020-08-21.

Conditions:
Familial thoracic aortic aneurysm and aortic dissection (TAAD). Also called: Thoracic aortic aneurysms and dissections. Identifiers: Orphanet 91387, MedGen C4707243, MONDO:0019625.
Marfan syndrome (MFS). Also called: Marfan syndrome type 1; Marfan's syndrome; Marfan syndrome, classic; MARFAN SYNDROME, TYPE I; FBN1-Related Marfan Syndrome. Identifiers: Orphanet 284963, Orphanet 558, MedGen C0024796, MONDO:0007947, OMIM 154700.

Submissions (2):

Labcorp Genetics (formerly Invitae), Labcorp
Classification: Pathogenic for Marfan syndrome; Familial thoracic aortic aneurysm and aortic dissection. Last evaluated: 2020-08-21. Review status: criteria provided, single submitter. Criteria: Invitae Variant Classification Sherloc (09022015). Collection method: clinical testing. Allele origin: germline.
Comment: This sequence change falls in intron 43 of the FBN1 gene. It does not directly change the encoded amino acid sequence of the FBN1 protein, but it affects a nucleotide within the consensus splice site of the intron. This variant is not present in population databases (ExAC no frequency). This variant has been observed in individual(s) with Marfan syndrome (Invitae). In at least one individual the variant was observed to be de novo. Nucleotide substitutions within the consensus splice site are a relatively common cause of aberrant splicing (PMID: 17576681, 9536098). Algorithms developed to predict the effect of sequence changes on RNA splicing suggest that this variant may disrupt the consensus splice site, but this prediction has not been confirmed by published transcriptional studies. For these reasons, this variant has been classified as Pathogenic.

Mayo Clinic Laboratories, Mayo Clinic
Classification: Likely pathogenic. Last evaluated: 2019-11-25. Review status: criteria provided, single submitter. Criteria: ACMG Guidelines, 2015. Collection method: clinical testing. Allele origin: germline. Observed: 1 variant allele.
Comment: PM2, PM1, PP2, PP3, PP4

Literature cited by the submitters: PubMed 17576681 (cited by Labcorp Genetics (formerly Invitae), Labcorp); PubMed 9536098 (cited by Labcorp Genetics (formerly Invitae), Labcorp); PubMed 27906200 (cited by Mayo Clinic Laboratories, Mayo Clinic).